The following is an entry in ClinVar:

NM_002386.4(MC1R):c.86A>G (p.Asn29Ser)

Gene: MC1R (melanocortin 1 receptor; plus strand). Cytogenetic location: 16q24.3.
Variant type: single nucleotide variant.
Coding change: c.86A>G on transcript NM_002386.4 (MANE Select); coding-DNA position 86, A replaced by G.
Protein change: p.Asn29Ser; replaces asparagine 29 with serine.
Molecular consequence: missense variant.
Genome position (GRCh38, 1-based): chr16:89,919,344, A>G. VCF-style: chr16-89919344-A-G. GRCh37 (hg19) VCF-style: chr16-89985752-A-G.
Other names: c.86A>G (NM_002386.3); short protein forms N29S.
Identifiers: ClinVar variation 2175946 (VCV002175946.5), dbSNP rs2045689907, ClinGen allele CA397459235.

ClinVar aggregate classification (germline): Uncertain significance. Review status: criteria provided, multiple submitters, no conflicts (2 of 4 stars). 2 submissions from 2 submitters: Uncertain significance (2). Last evaluated 2025-03-02.

Conditions:
Melanoma, cutaneous malignant, susceptibility to, 5. Also called: Cutaneous malignant melanoma 5. Identifiers: Orphanet 618, MedGen C2751295, MONDO:0013133, OMIM 613099.

Allele frequency attached by ClinVar (database versions not stated): gnomAD exomes below 0.00001.

Submissions (2):

Ambry Genetics
Classification: Uncertain significance. Last evaluated: 2025-03-02. Review status: criteria provided, single submitter. Criteria: Ambry Variant Classification Scheme 2023. Collection method: clinical testing. Allele origin: germline.
Comment: The p.N29S variant (also known as c.86A>G), located in coding exon 1 of the MC1R gene, results from an A to G substitution at nucleotide position 86. The asparagine at codon 29 is replaced by serine, an amino acid with highly similar properties. This amino acid position is conserved. In addition, this alteration is predicted to be tolerated by in silico analysis. Based on the available evidence, the clinical significance of this variant remains unclear.

Labcorp Genetics (formerly Invitae), Labcorp
Classification: Uncertain significance for Melanoma, cutaneous malignant, susceptibility to, 5. Last evaluated: 2022-03-12. Review status: criteria provided, single submitter. Criteria: Invitae Variant Classification Sherloc (09022015). Collection method: clinical testing. Allele origin: germline.
Comment: This variant is not present in population databases (gnomAD no frequency). This sequence change replaces asparagine, which is neutral and polar, with serine, which is neutral and polar, at codon 29 of the MC1R protein (p.Asn29Ser). Algorithms developed to predict the effect of missense changes on protein structure and function (SIFT, PolyPhen-2, Align-GVGD) all suggest that this variant is likely to be tolerated. This variant has not been reported in the literature in individuals affected with MC1R-related conditions. In summary, the available evidence is currently insufficient to determine the role of this variant in disease. Therefore, it has been classified as a Variant of Uncertain Significance.